The following is an entry in ClinVar:

NM_005120.3(MED12):c.2750G>A (p.Ser917Asn)

Gene: MED12 (mediator complex subunit 12; plus strand). Cytogenetic location: Xq13.1.
Variant type: single nucleotide variant.
Coding change: c.2750G>A on transcript NM_005120.3 (MANE Select); coding-DNA position 2750, G replaced by A.
Protein change: p.Ser917Asn; replaces serine 917 with asparagine.
Molecular consequence: missense variant.
Genome position (GRCh38, 1-based): chrX:71,127,033, G>A. VCF-style: chrX-71127033-G-A. GRCh37 (hg19) VCF-style: chrX-70346883-G-A.
Other names: short protein forms S917N.
Identifiers: ClinVar variation 450415 (VCV000450415.2), dbSNP rs1556336129, ClinGen allele CA413516161.

ClinVar aggregate classification (germline): Uncertain significance (1 of 4 stars; one submission).

Submission:

GeneDx
Classification: Uncertain significance. Last evaluated: 2017-08-03. Review status: criteria provided, single submitter. Criteria: GeneDx Variant Classification (06012015). Collection method: clinical testing. Allele origin: germline. Affected: yes.
Comment: A variant of uncertain significance has been identified in the MED12 gene. The S917N variant has not been published as pathogenic or been reported as benign to our knowledge. The S917N variant is not observed in large population cohorts (Lek et al., 2016; 1000 Genomes Consortium et al., 2015; Exome Variant Server). The S917N variant is a conservative amino acid substitution, which is not likely to impact secondary protein structure as these residues share similar properties. However, this substitution occurs at a position that is conserved across species and in silico analysis predicts this variant is probably damaging to the protein structure/function.